The following is an entry in ClinVar:

ClinVar aggregate classification (germline): Pathogenic (1 of 4 stars; one submission).

Submission:

Labcorp Genetics (formerly Invitae), Labcorp
Classification: Pathogenic. Last evaluated: 2023-01-13. Review status: criteria provided, single submitter. Criteria: Invitae Variant Classification Sherloc (09022015). Collection method: clinical testing. Allele origin: germline.
Comment: For these reasons, this variant has been classified as Pathogenic. Retrotransposon insertions including LINE1 (L1), Alu, and SVA (SINE-VNTR-Alu) have been reported to be disease-causing through disruption of either a coding region or splice site (PMID: 19763152, 20307669, 22406018) and loss-of-function variants in C5 are known to be pathogenic (PMID: 7730648, 19414197, 27026170). Algorithms developed to predict the effect of sequence changes on RNA splicing suggest that this variant may disrupt the consensus splice site. This variant has not been reported in the literature in individuals affected with C5-related conditions. This variant is not present in population databases (gnomAD no frequency). This sequence change inserts a large fragment of DNA, likely a transposable element, in exon 2 of the C5 gene (c.181_182ins?), causing a frameshift at codon 61 (p.Asp61fs). The exact size and sequence of the insertion cannot be determined by the current assay. However, the insertion is expected to result in an absent or disrupted protein product.

Literature cited by the submitters: PubMed 19763152; PubMed 20307669; PubMed 22406018; PubMed 7730648; PubMed 19414197; PubMed 27026170.

NM_001735.3(C5):c.181_182insGATATGAGATGAAGGTCTGAACTAAGTAGCAGTGGGGATGGAGAGCTGGGGAAAGATGTGAGACATTCCTGAGGGNNNNNNNNNNAAAAAAAAAAAAAAAAAAAAAAAAGTTATCCTG (p.Asp61delinsGlyTyrGluMetLysValTer)

Gene: C5 (complement C5; minus strand). Cytogenetic location: 9q33.2.
Variant type: Insertion.
Coding change: c.181_182insGATATGAGATGAAGGTCTGAACTAAGTAGCAGTGGGGATGGAGAGCTGGGGAAAGATGTGAGACATTCCTGAGGGNNNNNNNNNNAAAAAAAAAAAAAAAAAAAAAAAAGTTATCCTG on transcript NM_001735.3 (MANE Select); coding-DNA positions 181 to 182, GATATGAGATGAAGGTCTGAACTAAGTAGCAGTGGGGATGGAGAGCTGGGGAAAGATGTGAGACATTCCTGAGGGNNNNNNNNNNAAAAAAAAAAAAAAAAAAAAAAAAGTTATCCTG inserted.
Protein change: p.Asp61delinsGlyTyrGluMetLysValTer.
Molecular consequence: nonsense.
Genome position: GRCh38: chr9:121,046,280-121,046,281. GRCh37 (hg19): chr9:123,808,558-123,808,559.
Other names: c.199_200insGATATGAGATGAAGGTCTGAACTAAGTAGCAGTGGGGATGGAGAGCTGGGGAAAGATGTGAGACATTCCTGAGGGNNNNNNNNNNAAAAAAAAAAAAAAAAAAAAAAAAGTTATCCTG, p.Asp67delinsGlyTyrGluMetLysValTer (NM_001317163.2); c.181_182insGATATGAGATGAAGGTCTGAACTAAGTAGCAGTGGGGATGGAGAGCTGGGGAAAGATGTGAGACATTCCTGAGGGNNNNNNNNNNAAAAAAAAAAAAAAAAAAAAAAAAGTTATCCTG, p.Asp61delinsGlyTyrGluMetLysValTer (NM_001317164.2).
Identifiers: ClinVar variation 2828257 (VCV002828257.3), dbSNP rs2540461112.